The following is an entry in ClinVar:

NM_017763.6(RNF43):c.1617dup (p.Gly540fs)

Gene: RNF43 (ring finger protein 43; minus strand). Cytogenetic location: 17q22.
Variant type: Duplication.
Coding change: c.1617dup on transcript NM_017763.6 (MANE Select); coding-DNA position 1617, one base duplicated (A; older notation c.1617dupA).
Protein change: p.Gly540fs; shifts the reading frame from glycine 540.
Molecular consequence: frameshift variant.
Genome position (GRCh38, 1-based): chr17:58,358,159, T duplicated on the plus strand (A on the coding strand, the reverse complement: RNF43 is on the minus strand). VCF-style (leftmost placement, unchanged base first): chr17-58358158-C-CT. GRCh37 (hg19) VCF-style: chr17-56435519-C-CT.
Other names: c.1617dup, p.Gly540fs (NM_001305544.3, NM_001438820.1, NM_001438821.1 and 1 more transcripts); c.1236dup, p.Gly413fs (NM_001305545.2, NM_001437987.1); short protein forms G413fs, G540fs.
Identifiers: ClinVar variation 4812946 (VCV004812946.1).

ClinVar aggregate classification (germline): Pathogenic (1 of 4 stars; one submission).

Conditions:
Sessile serrated polyposis cancer syndrome (SSPCS). Identifiers: Orphanet 157798, MedGen C4310714, MONDO:0014919, OMIM 617108.

Submission:

Myriad Genetics, Inc.
Classification: Pathogenic for Sessile serrated polyposis cancer syndrome. Last evaluated: 2025-12-15. Review status: criteria provided, single submitter. Criteria: Myriad Autosomal Dominant, Autosomal Recessive and X-Linked Classification Criteria (2023). Collection method: clinical testing. Allele origin: unknown.
Comment: This variant is considered pathogenic. This variant creates a frameshift predicted to result in premature protein truncation.